The following is an entry in ClinVar:

ClinVar aggregate classification (germline): Uncertain significance. Review status: criteria provided, multiple submitters, no conflicts (2 of 4 stars). 2 submissions from 2 submitters: Uncertain significance (2). Last evaluated 2024-10-27.

Allele frequency attached by ClinVar (database versions not stated): TOPMed 0.00002.

Submissions (2):

Labcorp Genetics (formerly Invitae), Labcorp
Classification: Uncertain significance. Last evaluated: 2024-10-27. Review status: criteria provided, single submitter. Criteria: Invitae Variant Classification Sherloc (09022015). Collection method: clinical testing. Allele origin: germline.
Comment: This sequence change replaces valine, which is neutral and non-polar, with aspartic acid, which is acidic and polar, at codon 260 of the GRIA3 protein (p.Val260Asp). This variant is present in population databases (no rsID available, gnomAD 0.2%). This variant has not been reported in the literature in individuals affected with GRIA3-related conditions. ClinVar contains an entry for this variant (Variation ID: 1437199). Invitae Evidence Modeling of protein sequence and biophysical properties (such as structural, functional, and spatial information, amino acid conservation, physicochemical variation, residue mobility, and thermodynamic stability) indicates that this missense variant is not expected to disrupt GRIA3 protein function with a negative predictive value of 80%. In summary, the available evidence is currently insufficient to determine the role of this variant in disease. Therefore, it has been classified as a Variant of Uncertain Significance.

GeneDx
Classification: Uncertain significance. Last evaluated: 2022-08-03. Review status: criteria provided, single submitter. Criteria: GeneDx Variant Classification Process June 2021. Collection method: clinical testing. Allele origin: germline. Affected: yes.
Comment: In silico analysis supports that this missense variant has a deleterious effect on protein structure/function; Has not been previously published as pathogenic or benign to our knowledge

NM_007325.5(GRIA3):c.779T>A (p.Val260Asp)

Gene: GRIA3 (glutamate ionotropic receptor AMPA type subunit 3; plus strand). Cytogenetic location: Xq25.
Variant type: single nucleotide variant.
Coding change: c.779T>A on transcript NM_007325.5 (MANE Select); coding-DNA position 779, T replaced by A.
Protein change: p.Val260Asp; replaces valine 260 with aspartic acid.
Molecular consequence: missense variant.
Genome position (GRCh38, 1-based): chrX:123,394,996, T>A. VCF-style: chrX-123394996-T-A. GRCh37 (hg19) VCF-style: chrX-122528847-T-A.
Other names: c.779T>A, p.Val260Asp (NM_000828.5); c.779T>A (NM_000828.4); short protein forms V260D.
Identifiers: ClinVar variation 1437199 (VCV001437199.8), dbSNP rs1293542113, ClinGen allele CA414257217.